The following is an entry in ClinVar:

NM_006214.4(PHYH):c.687del (p.Asn230fs)

Gene: PHYH (phytanoyl-CoA 2-hydroxylase; minus strand). Cytogenetic location: 10p13.
Variant type: Deletion.
Coding change: c.687del on transcript NM_006214.4 (MANE Select); coding-DNA position 687, one base deleted (T; older notation c.687delT).
Protein change: p.Asn230fs; shifts the reading frame from asparagine 230.
Molecular consequence: frameshift variant.
Genome position (GRCh38, 1-based): chr10:13,283,831, A deleted on the plus strand (T on the coding strand, the reverse complement: PHYH is on the minus strand); the first of 2 consecutive A bases (chr10:13,283,831-13,283,832); deleting either gives the same sequence. VCF-style (leftmost placement, unchanged base first): chr10-13283830-TA-T. GRCh37 (hg19) VCF-style: chr10-13325830-TA-T.
Other names: c.423del, p.Asn142fs (NM_001323083.2); c.393del, p.Asn132fs (NM_001323084.2); c.387del, p.Asn130fs (NM_001037537.2, NM_001323080.2); c.693del, p.Asn232fs (NM_001323082.2); short protein forms N130fs, N132fs, N142fs, N230fs, N232fs.
Identifiers: ClinVar variation 5015719 (VCV005015719.1).

ClinVar aggregate classification (germline): Pathogenic (1 of 4 stars; one submission).

Conditions:
Refsum disease, classic. Also called: HEREDOPATHIA ATACTICA POLYNEURITIFORMIS; HMSN IV; PHYTANIC ACID OXIDASE DEFICIENCY; PHYH-Related Refsum Disease. Identifiers: Orphanet 773, MedGen C5780941, MONDO:1060256, OMIM 266500. Disease mechanism: loss of function.

Submission:

Myriad Genetics, Inc.
Classification: Pathogenic for Refsum disease, classic. Last evaluated: 2026-03-22. Review status: criteria provided, single submitter. Criteria: Myriad Autosomal Dominant, Autosomal Recessive and X-Linked Classification Criteria (2023). Collection method: clinical testing. Allele origin: unknown.
Comment: NM_006214.3(PHYH):c.687delT(N230Tfs*20) is expected to be pathogenic in the context of Refsum disease, PHYH-related. This variant is predicted to lead to an abnormal or absent protein product due to the creation of a premature termination codon in PHYH, a gene where loss-of-function variants are known to be pathogenic. Please note: this variant was assessed in the context of healthy population screening.